The following is an entry in ClinVar:

NM_020884.7(MYH7B):c.607G>A (p.Gly203Arg)

Gene: MYH7B (myosin heavy chain 7B; plus strand). Cytogenetic location: 20q11.22.
Variant type: single nucleotide variant.
Coding change: c.607G>A on transcript NM_020884.7 (MANE Select); coding-DNA position 607, G replaced by A.
Protein change: p.Gly203Arg; replaces glycine 203 with arginine.
Molecular consequence: missense variant.
Genome position (GRCh38, 1-based): chr20:34,982,538, G>A. VCF-style: chr20-34982538-G-A. GRCh37 (hg19) VCF-style: chr20-33570341-G-A.
Other names: c.733G>A (NM_020884.4); short protein forms G203R.
Identifiers: ClinVar variation 2158124 (VCV002158124.5), dbSNP rs764109123, ClinGen allele CA9826526.

ClinVar aggregate classification (germline): Uncertain significance. Review status: criteria provided, multiple submitters, no conflicts (2 of 4 stars). 2 submissions from 2 submitters: Uncertain significance (2). Last evaluated 2026-08-03.

Conditions:
MYH7B-related disorder. Also called: MYH7B-related condition.

Allele frequency attached by ClinVar (database versions not stated): ExAC 0.00001; gnomAD 0.00002; TOPMed 0.00002.
gnomAD v4.1: 18 of 1,607,762 alleles (0.0011%); highest among the groups gnomAD compares: African/African-American, 0.0054%; no homozygotes.

Submissions (2):

PreventionGenetics, part of Exact Sciences
Classification: Uncertain significance for MYH7B-related condition. Last evaluated: 2026-08-03. Review status: criteria provided, single submitter. Criteria: ACMG Guidelines, 2015. Collection method: clinical testing. Allele origin: germline.
Comment: The MYH7B c.733G>A variant is predicted to result in the amino acid substitution p.Gly245Arg. To our knowledge, this variant has not been reported in the literature. This variant is reported in 0.0066% of alleles in individuals of African descent in gnomAD. At this time, the clinical significance of this variant is uncertain due to the absence of conclusive functional and genetic evidence.

Labcorp Genetics (formerly Invitae), Labcorp
Classification: Uncertain significance. Last evaluated: 2021-12-22. Review status: criteria provided, single submitter. Criteria: Invitae Variant Classification Sherloc (09022015). Collection method: clinical testing. Allele origin: germline.
Comment: This variant is present in population databases (rs764109123, gnomAD 0.007%). This sequence change replaces glycine, which is neutral and non-polar, with arginine, which is basic and polar, at codon 245 of the MYH7B protein (p.Gly245Arg). This variant has not been reported in the literature in individuals affected with MYH7B-related conditions. In summary, the available evidence is currently insufficient to determine the role of this variant in disease. Therefore, it has been classified as a Variant of Uncertain Significance. Algorithms developed to predict the effect of missense changes on protein structure and function are either unavailable or do not agree on the potential impact of this missense change (SIFT: "Deleterious"; PolyPhen-2: "Benign"; Align-GVGD: "Class C65").